The following is an entry in ClinVar:

NM_172107.4(KCNQ2):c.2273dup (p.Asn759fs)

Gene: KCNQ2 (potassium voltage-gated channel subfamily Q member 2; minus strand). Cytogenetic location: 20q13.33.
Variant type: Duplication.
Coding change: c.2273dup on transcript NM_172107.4 (MANE Select); coding-DNA position 2273, one base duplicated (G; older notation c.2273dupG).
Protein change: p.Asn759fs; shifts the reading frame from asparagine 759.
Molecular consequence: frameshift variant.
Genome position (GRCh38, 1-based): chr20:63,406,990, C duplicated on the plus strand (G on the coding strand, the reverse complement: KCNQ2 is on the minus strand); the first of 5 consecutive C bases (chr20:63,406,990-63,406,994); duplicating any one gives the same sequence. VCF-style (leftmost placement, unchanged base first): chr20-63406989-G-GC. GRCh37 (hg19) VCF-style: chr20-62038342-G-GC.
Other names: c.2327dup, p.Asn777fs (NM_001382235.1); c.2189dup, p.Asn731fs (NM_004518.6); c.2219dup, p.Asn741fs (NM_172106.3); c.2180dup, p.Asn728fs (NM_172108.5); short protein forms N728fs, N731fs, N741fs, N759fs, N777fs.
Identifiers: ClinVar variation 3767703 (VCV003767703.3).
Genomic context (GRCh38, chr20:63,406,989, plus strand): 5'-CTCGGGGGGCCTGCAGCCCGGGGTGTCCTCCTGCCGCAGGAACTCCATGCTGGCGCGGTT[G>GC]CCCCCGCCGTAGGCGGACAGCGACCGCTCGTGGGCAGGCGGCGGCGGGATGCGCACCAGG-3'

ClinVar aggregate classification (germline): Likely pathogenic. Review status: criteria provided, multiple submitters, no conflicts (2 of 4 stars). 2 submissions from 2 submitters: Likely pathogenic (2). Last evaluated 2025-07-10.

Submissions (2):

Dasa
Classification: Likely pathogenic. Last evaluated: 2025-07-10. Review status: criteria provided, single submitter. Criteria: DASA Assertion Criteria. Collection method: clinical testing. Allele origin: germline.
Comment: NM_172107.4(KCNQ2):c.2273dup (p.Asn759Glnfs*106) is a frameshift variant in KCNQ2 predicted to alter the reading frame and introduce a premature termination codon and is predicted to result in an absent or altered protein product. Loss of function is an established disease mechanism for KCNQ2 (PMID: 17675531; PMID: 14534157). Also, this variant is absent from population databases. Based on the currently available evidence, this variant is classified as likely pathogenic.

GeneDx
Classification: Likely pathogenic. Last evaluated: 2024-09-08. Review status: criteria provided, single submitter. Criteria: GeneDx Variant Classification Process June 2021. Collection method: clinical testing. Allele origin: germline. Affected: yes.
Comment: Frameshift variant predicted to result in abnormal protein length as the last 114 amino acid(s) are replaced with 105 different amino acid(s), and other similar variants have been reported in HGMD; Not observed at significant frequency in large population cohorts (gnomAD); Has not been previously published as pathogenic or benign to our knowledge

Literature cited by the submitters: PubMed 17675531 (cited by Dasa); PubMed 14534157 (cited by Dasa).